The following is an entry in ClinVar:

NM_017780.4(CHD7):c.3464G>A (p.Arg1155His)

Gene: CHD7 (chromodomain helicase DNA binding protein 7; plus strand). Cytogenetic location: 8q12.2.
Variant type: single nucleotide variant.
Coding change: c.3464G>A on transcript NM_017780.4 (MANE Select); coding-DNA position 3464, G replaced by A.
Protein change: p.Arg1155His; replaces arginine 1155 with histidine.
Molecular consequence: missense variant. On other transcripts: intron variant (1).
Genome position (GRCh38, 1-based): chr8:60,828,748, G>A. VCF-style: chr8-60828748-G-A. GRCh37 (hg19) VCF-style: chr8-61741307-G-A.
Other names: c.1717-33481G>A (NM_001316690.1); short protein forms R1155H.
Identifiers: ClinVar variation 849861 (VCV000849861.12), dbSNP rs762669262, ClinGen allele CA4759962.
Genomic context (GRCh38, chr8:60,828,748, plus strand): 5'-CCCCACTCCAGAACACTGTGGAAGAACTCTTCAGCTTGCTTCATTTCTTGGAACCAAGTC[G>A]CTTCCCTTCAGAAACCACATTTATGCAAGAATTTGGTGATCTAAAAACAGAAGAGCAGGT-3'
Protein context (NP_060250.2, residues 1145-1165): FSLLHFLEPS[Arg1155His]FPSETTFMQE

ClinVar aggregate classification (germline): Conflicting classifications of pathogenicity. Review status: criteria provided, conflicting classifications (1 of 4 stars). 3 submissions from 3 submitters: Uncertain significance (2); Likely benign (1). Last evaluated 2025-06-09.

Conditions:
CHARGE syndrome (CHARGE). Also called: CHARGE ASSOCIATION--COLOBOMA, HEART ANOMALY, CHOANAL ATRESIA, RETARDATION, GENITAL AND EAR ANOMALIES; Coloboma, heart anomaly, choanal atresia, retardation, genital and ear anomalies; CHARGE association; Hall-Hittner syndrome; Hittner Hirsch Kreh syndrome. Identifiers: Orphanet 138, MedGen C0265354, MONDO:0008965.
Hypogonadotropic hypogonadism 5 with or without anosmia (KAL5). Also called: HYPOGONADOTROPIC HYPOGONADISM 5 WITH ANOSMIA; HYPOGONADOTROPHIC HYPOGONADISM 5 WITHOUT ANOSMIA; CHD7-Related GnRH Deficiency (Kallmann Syndrome 5). Identifiers: Orphanet 478, MedGen C3552553, MONDO:0012880, OMIM 612370. Disease mechanism: loss of function.
Inborn genetic diseases. Identifiers: MedGen C0950123, MeSH D030342.

Allele frequency attached by ClinVar (database versions not stated): gnomAD exomes 0.00001; ExAC 0.00002; gnomAD 0.00002; TOPMed 0.00004.
gnomAD v4.1: 49 of 1,613,476 alleles (0.003%); highest among the groups gnomAD compares: African/African-American, 0.011%; no homozygotes.

Submissions (3):

Labcorp Genetics (formerly Invitae), Labcorp
Classification: Likely benign for CHARGE syndrome. Last evaluated: 2025-06-09. Review status: criteria provided, single submitter. Criteria: Invitae Variant Classification Sherloc (09022015). Collection method: clinical testing. Allele origin: germline.

Fulgent Genetics
Classification: Uncertain significance for CHD7-related CHARGE syndrome; Hypogonadotropic hypogonadism 5 with or without anosmia. Last evaluated: 2022-03-02. Review status: criteria provided, single submitter. Criteria: ACMG Guidelines, 2015. Collection method: clinical testing. Allele origin: unknown.

Ambry Genetics
Classification: Uncertain significance for Inborn genetic diseases. Last evaluated: 2018-11-23. Review status: criteria provided, single submitter. Criteria: Ambry Variant Classification Scheme 2023. Collection method: clinical testing. Allele origin: germline.
Comment: The p.R1155H variant (also known as c.3464G>A), located in coding exon 13 of the CHD7 gene, results from a G to A substitution at nucleotide position 3464. The arginine at codon 1155 is replaced by histidine, an amino acid with highly similar properties. This amino acid position is highly conserved in available vertebrate species. In addition, this alteration is predicted to be deleterious by in silico analysis. Since supporting evidence is limited at this time, the clinical significance of this alteration remains unclear.